The following is an entry in ClinVar:

ClinVar aggregate classification (germline): Uncertain significance (1 of 4 stars; one submission).

gnomAD v4.1: 3 of 1,613,816 alleles (0.00019%); highest among the groups gnomAD compares: East Asian, 0.0022%; no homozygotes.

Submission:

Labcorp Genetics (formerly Invitae), Labcorp
Classification: Uncertain significance. Last evaluated: 2022-01-13. Review status: criteria provided, single submitter. Criteria: Invitae Variant Classification Sherloc (09022015). Collection method: clinical testing. Allele origin: germline.
Comment: In summary, the available evidence is currently insufficient to determine the role of this variant in disease. Therefore, it has been classified as a Variant of Uncertain Significance. Algorithms developed to predict the effect of missense changes on protein structure and function (SIFT, PolyPhen-2, Align-GVGD) all suggest that this variant is likely to be tolerated. This variant has not been reported in the literature in individuals affected with HSPG2-related conditions. This variant is present in population databases (rs771803144, gnomAD 0.01%). This sequence change replaces alanine, which is neutral and non-polar, with glutamic acid, which is acidic and polar, at codon 156 of the HSPG2 protein (p.Ala156Glu).

NM_005529.7(HSPG2):c.467C>A (p.Ala156Glu)

Gene: HSPG2 (heparan sulfate proteoglycan 2; minus strand). Cytogenetic location: 1p36.12.
Variant type: single nucleotide variant.
Coding change: c.467C>A on transcript NM_005529.7 (MANE Select); coding-DNA position 467, C replaced by A.
Protein change: p.Ala156Glu; replaces alanine 156 with glutamic acid.
Molecular consequence: missense variant.
Genome position (GRCh38, 1-based): chr1:21,890,088, G>T on the plus strand (C>A on the coding strand, the complement: HSPG2 is on the minus strand). VCF-style: chr1-21890088-G-T. GRCh37 (hg19) VCF-style: chr1-22216581-G-T.
Other names: c.467C>A, p.Ala156Glu (NM_001291860.2); short protein forms A156E.
Identifiers: ClinVar variation 2082087 (VCV002082087.4), dbSNP rs771803144, ClinGen allele CA673868.